The following is an entry in ClinVar:

ClinVar aggregate classification (germline): Uncertain significance (1 of 4 stars; one submission).

Submission:

GeneDx
Classification: Uncertain significance. Last evaluated: 2025-03-04. Review status: criteria provided, single submitter. Criteria: GeneDx Variant Classification Process June 2021. Collection method: clinical testing. Allele origin: germline. Affected: yes.
Comment: Not observed at significant frequency in large population cohorts (gnomAD); In silico analysis supports that this missense variant has a deleterious effect on protein structure/function; Has not been previously published as pathogenic or benign to our knowledge

NM_001961.4(EEF2):c.197G>A (p.Arg66His)

Gene: EEF2 (eukaryotic translation elongation factor 2; minus strand). Cytogenetic location: 19p13.3.
Variant type: single nucleotide variant.
Coding change: c.197G>A on transcript NM_001961.4 (MANE Select); coding-DNA position 197, G replaced by A.
Protein change: p.Arg66His; replaces arginine 66 with histidine.
Molecular consequence: missense variant.
Genome position (GRCh38, 1-based): chr19:3,984,157, C>T on the plus strand (G>A on the coding strand, the complement: EEF2 is on the minus strand). VCF-style: chr19-3984157-C-T. GRCh37 (hg19) VCF-style: chr19-3984155-C-T.
Other names: short protein forms R66H.
Identifiers: ClinVar variation 4082636 (VCV004082636.1).
Genomic context (GRCh38, chr19:3,984,157, plus strand): 5'-CACCTCCCTGCCTGGGTACAGAGGGCACAGGGAGCTCACGTTGACTTGATGGTGATGCAA[C>T]GCTCCTGCTCGTCCTTCCGGGTATCAGTGAAGCGTGTCTCCCCGGCCCGGGCCGAGGCGA-3'
Protein context (NP_001952.1, residues 56-76): FTDTRKDEQE[Arg66His]CITIKSTAIS